The following is an entry in ClinVar:

ClinVar aggregate classification (germline): Uncertain significance (1 of 4 stars; one submission).

Submission:

GeneDx
Classification: Uncertain significance. Last evaluated: 2024-07-01. Review status: criteria provided, single submitter. Criteria: GeneDx Variant Classification Process June 2021. Collection method: clinical testing. Allele origin: germline. Affected: yes.
Comment: Not observed at significant frequency in large population cohorts (gnomAD); In silico analysis supports that this missense variant has a deleterious effect on protein structure/function; Has not been previously published as pathogenic or benign to our knowledge

NM_152296.5(ATP1A3):c.1681T>C (p.Phe561Leu)

Gene: ATP1A3 (ATPase Na+/K+ transporting subunit alpha 3; minus strand). Cytogenetic location: 19q13.2.
Variant type: single nucleotide variant.
Coding change: c.1681T>C on transcript NM_152296.5 (MANE Select); coding-DNA position 1681, T replaced by C.
Protein change: p.Phe561Leu; replaces phenylalanine 561 with leucine.
Molecular consequence: missense variant.
Genome position (GRCh38, 1-based): chr19:41,978,276, A>G on the plus strand (T>C on the coding strand, the complement: ATP1A3 is on the minus strand). VCF-style: chr19-41978276-A-G. GRCh37 (hg19) VCF-style: chr19-42482428-A-G.
Other names: c.1714T>C, p.Phe572Leu (NM_001256213.2); c.1720T>C, p.Phe574Leu (NM_001256214.2); short protein forms F574L, F561L, F572L.
Identifiers: ClinVar variation 3393822 (VCV003393822.1).